The following is an entry in ClinVar:

NM_001077620.3(PRCD):c.162G>C (p.Lys54Asn)

Genes: CYGB (cytoglobin; minus strand), PRCD (photoreceptor disc component; plus strand). Cytogenetic location: 17q25.1.
Variant type: single nucleotide variant.
Coding change: c.162G>C on transcript NM_001077620.3 (MANE Select); coding-DNA position 162, G replaced by C.
Protein change: p.Lys54Asn; replaces lysine 54 with asparagine.
Molecular consequence: missense variant. On other transcripts: non-coding transcript variant (1).
Genome position (GRCh38, 1-based): chr17:76,542,571, G>C. VCF-style: chr17-76542571-G-C. GRCh37 (hg19) VCF-style: chr17-74538653-G-C.
Other names: short protein forms K54N.
Identifiers: ClinVar variation 1714722 (VCV001714722.5), dbSNP rs2510037337, ClinGen allele CA401184052.

ClinVar aggregate classification (germline): Uncertain significance (1 of 4 stars; one submission).

Submission:

Labcorp Genetics (formerly Invitae), Labcorp
Classification: Uncertain significance. Last evaluated: 2022-08-01. Review status: criteria provided, single submitter. Criteria: Invitae Variant Classification Sherloc (09022015). Collection method: clinical testing. Allele origin: germline.
Comment: This variant has not been reported in the literature in individuals affected with PRCD-related conditions. This variant is not present in population databases (gnomAD no frequency). This sequence change replaces lysine, which is basic and polar, with asparagine, which is neutral and polar, at codon 54 of the PRCD protein (p.Lys54Asn). Algorithms developed to predict the effect of missense changes on protein structure and function are either unavailable or do not agree on the potential impact of this missense change (SIFT: "Not Available"; PolyPhen-2: "Possibly Damaging"; Align-GVGD: "Class C65"). In summary, the available evidence is currently insufficient to determine the role of this variant in disease. Therefore, it has been classified as a Variant of Uncertain Significance.